The following is an entry in ClinVar:

NM_003640.5(ELP1):c.2015-72C>T

Gene: ELP1 (elongator acetyltransferase complex subunit 1; minus strand). Cytogenetic location: 9q31.3.
Variant type: single nucleotide variant.
Coding change: c.2015-72C>T on transcript NM_003640.5 (MANE Select); 72 bases into the intron before coding-DNA position 2015, C replaced by T.
Molecular consequence: intron variant.
Genome position (GRCh38, 1-based): chr9:108,900,447, G>A on the plus strand (C>T on the coding strand, the complement: ELP1 is on the minus strand). VCF-style: chr9-108900447-G-A. GRCh37 (hg19) VCF-style: chr9-111662727-G-A.
Other names: c.1673-72C>T (NM_001318360.2); c.968-72C>T (NM_001330749.2).
Identifiers: ClinVar variation 673443 (VCV000673443.2), dbSNP rs1341217, ClinGen allele CA15620103.

ClinVar aggregate classification (germline): Benign. Review status: criteria provided, multiple submitters, no conflicts (2 of 4 stars). 2 submissions from 2 submitters: Benign (2). Last evaluated 2018-06-19.

Allele frequency attached by ClinVar (database versions not stated): gnomAD 0.27211; TOPMed 0.27801; 1000 Genomes Project 0.29613; 1000 Genomes Project 30x 0.30122.
gnomAD v4.1: 209,012 of 1,009,760 alleles (21%); highest among the groups gnomAD compares: African/African-American, 43%; 24,691 homozygotes.

Submissions (2):

GeneDx
Classification: Benign. Last evaluated: 2018-06-19. Review status: criteria provided, single submitter. Criteria: GeneDx Variant Classification (06012015). Collection method: clinical testing. Allele origin: germline. Affected: yes.
Comment: This variant is considered likely benign or benign based on one or more of the following criteria: it is a conservative change, it occurs at a poorly conserved position in the protein, it is predicted to be benign by multiple in silico algorithms, and/or has population frequency not consistent with disease.

Breakthrough Genomics
Classification: Benign. Review status: criteria provided, single submitter. Criteria: ACMG Guidelines, 2015. Collection method: not provided. Allele origin: germline. Inheritance: Autosomal recessive inheritance. Affected: yes.